The following is an entry in ClinVar:

ClinVar aggregate classification (germline): Uncertain significance (1 of 4 stars; one submission).

Conditions:
Multiple congenital exostosis (EXT). Also called: Hereditary multiple osteochondromas; MULTIPLE CARTILAGINOUS EXOSTOSES; Multiple exostoses; Hereditary multiple exostoses; Hereditary multiple exostosis; Multiple osteochondromas. Identifiers: Orphanet 321, MedGen C0015306, MONDO:0005508, HP:0002762.

Allele frequency attached by ClinVar (database versions not stated): gnomAD exomes below 0.00001 and 0.00001.
gnomAD v4.1: 18 of 1,613,124 alleles (0.0011%); highest among the groups gnomAD compares: Non-Finnish European, 0.0014%; no homozygotes.

Submission:

Labcorp Genetics (formerly Invitae), Labcorp
Classification: Uncertain significance for Multiple congenital exostosis. Last evaluated: 2021-06-02. Review status: criteria provided, single submitter. Criteria: Invitae Variant Classification Sherloc (09022015). Collection method: clinical testing. Allele origin: germline.
Comment: This sequence change replaces alanine with threonine at codon 470 of the EXT1 protein (p.Ala470Thr). The alanine residue is moderately conserved and there is a small physicochemical difference between alanine and threonine. This variant is not present in population databases (ExAC no frequency). This variant has not been reported in the literature in individuals with EXT1-related conditions. Advanced modeling of protein sequence and biophysical properties (such as structural, functional, and spatial information, amino acid conservation, physicochemical variation, residue mobility, and thermodynamic stability) performed at Invitae indicates that this missense variant is not expected to disrupt EXT1 protein function. In summary, the available evidence is currently insufficient to determine the role of this variant in disease. Therefore, it has been classified as a Variant of Uncertain Significance.

NM_000127.3(EXT1):c.1408G>A (p.Ala470Thr)

Gene: EXT1 (exostosin glycosyltransferase 1; minus strand). Cytogenetic location: 8q24.11.
Variant type: single nucleotide variant.
Coding change: c.1408G>A on transcript NM_000127.3 (MANE Select); coding-DNA position 1408, G replaced by A.
Protein change: p.Ala470Thr; replaces alanine 470 with threonine.
Molecular consequence: missense variant.
Genome position (GRCh38, 1-based): chr8:117,822,474, C>T on the plus strand (G>A on the coding strand, the complement: EXT1 is on the minus strand). VCF-style: chr8-117822474-C-T. GRCh37 (hg19) VCF-style: chr8-118834713-C-T.
Other names: short protein forms A470T.
Identifiers: ClinVar variation 1418445 (VCV001418445.8), dbSNP rs746738537, ClinGen allele CA184285006.